The following is an entry in ClinVar:

NM_001042492.3(NF1):c.5747C>T (p.Ala1916Val)

Gene: NF1 (neurofibromin 1; plus strand). Cytogenetic location: 17q11.2.
Variant type: single nucleotide variant.
Coding change: c.5747C>T on transcript NM_001042492.3 (MANE Select); coding-DNA position 5747, C replaced by T.
Protein change: p.Ala1916Val; replaces alanine 1916 with valine.
Molecular consequence: missense variant.
Genome position (GRCh38, 1-based): chr17:31,330,433, C>T. VCF-style: chr17-31330433-C-T. GRCh37 (hg19) VCF-style: chr17-29657451-C-T.
Other names: c.5684C>T, p.Ala1895Val (NM_000267.4); short protein forms A1916V, A1895V.
Identifiers: ClinVar variation 1749046 (VCV001749046.3), dbSNP rs2151544834, ClinGen allele CA399010387.

ClinVar aggregate classification (germline): Uncertain significance (1 of 4 stars; one submission).

Conditions:
Cardiovascular phenotype. Identifiers: MedGen CN230736.
Hereditary cancer-predisposing syndrome. Also called: Neoplastic Syndromes, Hereditary; Tumor predisposition; Hereditary Cancer Syndrome; Hereditary neoplastic syndrome. Identifiers: Orphanet 140162, MedGen C0027672, MeSH D009386, MONDO:0015356.

Allele frequency attached by ClinVar (database versions not stated): gnomAD exomes below 0.00001.
gnomAD v4.1: 4 of 1,613,838 alleles (0.00025%); highest among the groups gnomAD compares: Non-Finnish European, 0.00034%; no homozygotes.

Submission:

Ambry Genetics
Classification: Uncertain significance for Cardiovascular phenotype; Hereditary cancer-predisposing syndrome. Last evaluated: 2026-04-29. Review status: criteria provided, single submitter. Criteria: Ambry Variant Classification Scheme 2023. Collection method: clinical testing. Allele origin: germline.
Comment: The p.A1895V variant (also known as c.5684C>T), located in coding exon 38 of the NF1 gene, results from a C to T substitution at nucleotide position 5684. The alanine at codon 1895 is replaced by valine, an amino acid with similar properties. This amino acid position is highly conserved in available vertebrate species. In addition, this alteration is predicted to be deleterious by in silico analysis. Based on the available evidence, the clinical significance of this variant remains unclear.